The following is an entry in ClinVar:

ClinVar aggregate classification (germline): Benign. Review status: criteria provided, multiple submitters, no conflicts (2 of 4 stars). 3 submissions from 3 submitters: Benign (2). 1 of the submissions does not count toward it. Last evaluated 2026-08-01.

Conditions:
RREB1-related disorder. Also called: RREB1-related condition.

Allele frequency attached by ClinVar (database versions not stated): gnomAD 0.00295 and 0.00306; 1000 Genomes Project 30x 0.00297; TOPMed 0.00297; 1000 Genomes Project 0.00300; gnomAD exomes 0.00352 and 0.00500; ESP Exome Variant Server 0.00369; ExAC 0.00494.
gnomAD v4.1: 5,739 of 1,609,044 alleles (0.36%); highest among the groups gnomAD compares: Middle Eastern, 2.4%; 47 homozygotes.

Submissions (3):

CeGaT Center for Human Genetics Tuebingen
Classification: Benign. Last evaluated: 2026-08-01. Review status: criteria provided, single submitter. Criteria: CeGaT Center For Human Genetics Tuebingen Variant Classification Criteria Version 2. Collection method: clinical testing. Allele origin: germline. Affected: yes. Observed: 11 variant alleles.
Comment: RREB1: BP4, BP7, BS1, BS2

Labcorp Genetics (formerly Invitae), Labcorp
Classification: Benign. Last evaluated: 2019-12-31. Review status: criteria provided, single submitter. Criteria: Invitae Variant Classification Sherloc (09022015). Collection method: clinical testing. Allele origin: germline.

PreventionGenetics, part of Exact Sciences
Classification: Benign for RREB1-related condition. Last evaluated: 2019-02-21. Review status: no assertion criteria provided. Collection method: clinical testing. Allele origin: germline. Not counted in ClinVar's aggregate classification.
Comment: This variant is classified as benign based on ACMG/AMP sequence variant interpretation guidelines (Richards et al. 2015 PMID: 25741868, with internal and published modifications).

NM_001003699.4(RREB1):c.3189C>T (p.Pro1063=)

Gene: RREB1 (ras responsive element binding protein 1; plus strand). Cytogenetic location: 6p24.3.
Variant type: single nucleotide variant.
Coding change: c.3189C>T on transcript NM_001003699.4 (MANE Select); coding-DNA position 3189, C replaced by T.
Protein change: p.Pro1063=; no amino-acid change (proline 1063 retained).
Molecular consequence: synonymous variant.
Genome position (GRCh38, 1-based): chr6:7,231,288, C>T. VCF-style: chr6-7231288-C-T. GRCh37 (hg19) VCF-style: chr6-7231521-C-T.
Other names: c.3189C>T, p.Pro1063= (NM_001003698.4, NM_001003700.2, NM_001168344.2).
Identifiers: ClinVar variation 719098 (VCV000719098.29), dbSNP rs148116530, ClinGen allele CA3626091.